The following is an entry in ClinVar:

ClinVar aggregate classification (germline): Likely benign. Review status: criteria provided, multiple submitters, no conflicts (2 of 4 stars). 2 submissions from 2 submitters: Likely benign (2). Last evaluated 2023-08-16.

Conditions:
Cortical dysplasia-focal epilepsy syndrome (PTHSL1). Also called: Pitt-Hopkins-like syndrome 1. Identifiers: Orphanet 163681, Orphanet 221150, MedGen C2750246, MONDO:0012400, OMIM 610042.

Allele frequency attached by ClinVar (database versions not stated): gnomAD exomes 0.00001.
gnomAD v4.1: 1 of 1,545,782 alleles (0.000065%); highest among the groups gnomAD compares: Admixed American, 0.002%; no homozygotes.

Submissions (2):

Labcorp Genetics (formerly Invitae), Labcorp
Classification: Likely benign for Cortical dysplasia-focal epilepsy syndrome. Last evaluated: 2023-08-16. Review status: criteria provided, single submitter. Criteria: Invitae Variant Classification Sherloc (09022015). Collection method: clinical testing. Allele origin: germline.

GeneDx
Classification: Likely benign. Last evaluated: 2017-12-15. Review status: criteria provided, single submitter. Criteria: GeneDx Variant Classification (06012015). Collection method: clinical testing. Allele origin: germline. Affected: yes.
Comment: This variant is considered likely benign or benign based on one or more of the following criteria: it is a conservative change, it occurs at a poorly conserved position in the protein, it is predicted to be benign by multiple in silico algorithms, and/or has population frequency not consistent with disease.

NM_014141.6(CNTNAP2):c.9G>C (p.Ala3=)

Gene: CNTNAP2 (contactin associated protein 2; plus strand). Cytogenetic location: 7q35.
Variant type: single nucleotide variant.
Coding change: c.9G>C on transcript NM_014141.6 (MANE Select); coding-DNA position 9, G replaced by C.
Protein change: p.Ala3=; no amino-acid change (alanine 3 retained).
Molecular consequence: synonymous variant.
Genome position (GRCh38, 1-based): chr7:146,116,885, G>C. VCF-style: chr7-146116885-G-C. GRCh37 (hg19) VCF-style: chr7-145813977-G-C.
Identifiers: ClinVar variation 513997 (VCV000513997.4), dbSNP rs1237807319, ClinGen allele CA458490204.
Genomic context (GRCh38, chr7:146,116,885, plus strand): 5'-GACTGCATCTCCGCAGCGAGCTCTTGGAGCGCCGCCGGCCGGGAGGCGAAGGATGCAGGC[G>C]GCTCCGCGCGCCGGCTGCGGGGCAGCGCTCCTGCTGTGGATTGTCAGCAGCTGCCTCTGC-3'
Protein context (NP_054860.1, residues 1-13): MQ[Ala3=]APRAGCGAAL